The following is an entry in ClinVar:

NM_004168.4(SDHA):c.171dup (p.Val58fs)

Gene: SDHA (succinate dehydrogenase complex flavoprotein subunit A; plus strand). Cytogenetic location: 5p15.33.
Variant type: Duplication.
Coding change: c.171dup on transcript NM_004168.4 (MANE Select); coding-DNA position 171, one base duplicated (A; older notation c.171dupA).
Protein change: p.Val58fs; shifts the reading frame from valine 58.
Molecular consequence: frameshift variant.
Genome position (GRCh38, 1-based): chr5:224,380, A duplicated. VCF-style (leftmost placement, unchanged base first): chr5-224379-T-TA. GRCh37 (hg19) VCF-style: chr5-224494-T-TA.
Other names: c.171dup, p.Val58fs (NM_001294332.2, NM_001330758.2); short protein forms V58fs.
Identifiers: ClinVar variation 545901 (VCV000545901.10), dbSNP rs1553997323, ClinGen allele CA658823102.
Genomic context (GRCh38, chr5:224,379, plus strand): 5'-TAGTGGAACATGTGATTGACAGGTGAATTTTTCTTTTCCAGATTTCTGCTCAGTATCCAG[T>TA]AGTGGATCATGAATTTGATGCAGTGGTGGTAGGCGCTGGAGGGGCAGGCTTGCGAGCTGC-3'

ClinVar aggregate classification (germline): Pathogenic/Likely pathogenic. Review status: criteria provided, multiple submitters, no conflicts (2 of 4 stars). 2 submissions from 2 submitters: Pathogenic (1); Likely pathogenic (1). Last evaluated 2019-04-04.

Conditions:
Mitochondrial complex II deficiency, nuclear type 1. Also called: SUCCINATE CoQ REDUCTASE DEFICIENCY. Identifiers: Orphanet 3208, MedGen C5700310, MONDO:0100294, OMIM 252011.
Pheochromocytoma/paraganglioma syndrome 5. Also called: Paragangliomas 5; SDHA-Related Hereditary Paraganglioma-Pheochromocytoma Syndrome. Identifiers: Orphanet 29072, MedGen C3279992, MONDO:0013602, OMIM 614165.

Submissions (2):

Labcorp Genetics (formerly Invitae), Labcorp
Classification: Pathogenic for Pheochromocytoma/paraganglioma syndrome 5; Mitochondrial complex II deficiency, nuclear type 1. Last evaluated: 2019-04-04. Review status: criteria provided, single submitter. Criteria: Invitae Variant Classification Sherloc (09022015). Collection method: clinical testing. Allele origin: germline.
Comment: This sequence change creates a premature translational stop signal (p.Val58Serfs*4) in the SDHA gene. It is expected to result in an absent or disrupted protein product. This variant is not present in population databases (ExAC no frequency). This variant has not been reported in the literature in individuals with SDHA-related conditions. ClinVar contains an entry for this variant (Variation ID: 545901). Loss-of-function variants in SDHA are known to be pathogenic (PMID: 22974104, 24781757). For these reasons, this variant has been classified as Pathogenic.

GeneDx
Classification: Likely pathogenic. Last evaluated: 2018-04-18. Review status: criteria provided, single submitter. Criteria: GeneDx Variant Classification (06012015). Collection method: clinical testing. Allele origin: germline. Affected: yes.
Comment: This duplication of one nucleotide in SDHA is denoted c.171dupA at the cDNA level and p.Val58SerfsX4 (V58SfsX4) at the protein level. The normal sequence, with the base that is duplicated in brackets, is CAGT[dupA]GTGG. The duplication causes a frameshift which changes a Valine to a Serine at codon 58, and creates a premature stop codon at position 4 of the new reading frame. Although this variant has not, to our knowledge, been reported in the literature, it is predicted to cause loss of normal protein function through either protein truncation or nonsense-mediated mRNA decay. Based on currently available evidence, we consider this duplication to be a likely pathogenic variant.

Literature cited by the submitters: PubMed 22974104 (cited by Labcorp Genetics (formerly Invitae), Labcorp); PubMed 24781757 (cited by Labcorp Genetics (formerly Invitae), Labcorp).